The following is an entry in ClinVar:

ClinVar aggregate classification (germline): Conflicting classifications of pathogenicity. Review status: criteria provided, conflicting classifications (1 of 4 stars). 2 submissions from 2 submitters: Uncertain significance (1); Likely benign (1). Last evaluated 2025-09-09.

Conditions:
Hereditary cancer-predisposing syndrome. Also called: Neoplastic Syndromes, Hereditary; Tumor predisposition; Hereditary Cancer Syndrome; Hereditary neoplastic syndrome. Identifiers: Orphanet 140162, MedGen C0027672, MeSH D009386, MONDO:0015356.
Familial adenomatous polyposis 2. Also called: MUTYH Polyposis; COLORECTAL ADENOMATOUS POLYPOSIS, AUTOSOMAL RECESSIVE; ADENOMAS, MULTIPLE COLORECTAL, AUTOSOMAL RECESSIVE; MUTYH-associated polyposis; MYH-associated polyposis; MUTYH-related attenuated familial adenomatous polyposis. Identifiers: Orphanet 220460, Orphanet 247798, MedGen C3272841, MONDO:0012041, OMIM 608456.

Allele frequency attached by ClinVar (database versions not stated): gnomAD exomes below 0.00001.
gnomAD v4.1: 1 of 1,614,232 alleles (0.000062%); highest among the groups gnomAD compares: Non-Finnish European, 0.000085%; no homozygotes.

Submissions (2):

Ambry Genetics
Classification: Likely benign for Hereditary cancer-predisposing syndrome. Last evaluated: 2025-09-09. Review status: criteria provided, single submitter. Criteria: Ambry Variant Classification Scheme 2023. Collection method: clinical testing. Allele origin: germline.

Labcorp Genetics (formerly Invitae), Labcorp
Classification: Uncertain significance for Familial adenomatous polyposis 2. Last evaluated: 2022-02-17. Review status: criteria provided, single submitter. Criteria: Invitae Variant Classification Sherloc (09022015). Collection method: clinical testing. Allele origin: germline.
Comment: In summary, the available evidence is currently insufficient to determine the role of this variant in disease. Therefore, it has been classified as a Variant of Uncertain Significance. Algorithms developed to predict the effect of missense changes on protein structure and function are either unavailable or do not agree on the potential impact of this missense change (SIFT: "Tolerated"; PolyPhen-2: "Possibly Damaging"; Align-GVGD: "Class C0"). This variant has not been reported in the literature in individuals affected with MUTYH-related conditions. This variant is not present in population databases (gnomAD no frequency). This sequence change replaces alanine, which is neutral and non-polar, with valine, which is neutral and non-polar, at codon 484 of the MUTYH protein (p.Ala484Val).

Literature cited by the submitters: PubMed 40738107 (cited by Ambry Genetics).

NM_001048174.2(MUTYH):c.1367C>T (p.Ala456Val)

Gene: MUTYH (mutY DNA glycosylase; minus strand). Cytogenetic location: 1p34.1.
Variant type: single nucleotide variant.
Coding change: c.1367C>T on transcript NM_001048174.2 (MANE Select); coding-DNA position 1367, C replaced by T.
Protein change: p.Ala456Val; replaces alanine 456 with valine.
Molecular consequence: missense variant. On other transcripts: non-coding transcript variant (2).
Genome position (GRCh38, 1-based): chr1:45,331,207, G>A on the plus strand (C>T on the coding strand, the complement: MUTYH is on the minus strand). VCF-style: chr1-45331207-G-A. GRCh37 (hg19) VCF-style: chr1-45796879-G-A.
Other names: c.1367C>T, p.Ala456Val (NM_001048171.2, NM_001048173.2, NM_001293195.2 and 6 more transcripts); c.1370C>T, p.Ala457Val (NM_001048172.2, NM_001407071.1, NM_001407078.1 and 1 more transcripts); c.1451C>T, p.Ala484Val (NM_001128425.2); c.1412C>T, p.Ala471Val (NM_001293190.2); c.1400C>T, p.Ala467Val (NM_001293191.2, NM_001407069.1, NM_001407077.1); c.1091C>T, p.Ala364Val (NM_001293192.2, NM_001293196.2, NM_001407091.1); c.1022C>T, p.Ala341Val (NM_001350650.2, NM_001350651.2, NM_001407082.1); c.1283C>T, p.Ala428Val (NM_001407075.1); and 5 more; short protein forms A341V, A443V, A467V, A364V, A456V, A463V, A470V, A471V.
Identifiers: ClinVar variation 2097993 (VCV002097993.6), dbSNP rs2523904059, ClinGen allele CA340132540.